The following is an entry in ClinVar:

ClinVar aggregate classification (germline): Benign (1 of 4 stars; one submission).

Allele frequency attached by ClinVar (database versions not stated): TOPMed 0.77964; gnomAD 0.78438 and 0.79139; 1000 Genomes Project 30x 0.81106; 1000 Genomes Project 0.81949.
gnomAD v4.1: 120,451 of 152,106 alleles (79%); highest among the groups gnomAD compares: East Asian, 98%; 48,539 homozygotes.

Submission:

GeneDx
Classification: Benign. Last evaluated: 2018-06-14. Review status: criteria provided, single submitter. Criteria: GeneDx Variant Classification (06012015). Collection method: clinical testing. Allele origin: germline. Affected: yes.
Comment: This variant is considered likely benign or benign based on one or more of the following criteria: it is a conservative change, it occurs at a poorly conserved position in the protein, it is predicted to be benign by multiple in silico algorithms, and/or has population frequency not consistent with disease.

NM_001160148.2(DDHD1):c.2246-301C>T

Gene: DDHD1 (DDHD domain containing 1; minus strand). Cytogenetic location: 14q22.1.
Variant type: single nucleotide variant.
Coding change: c.2246-301C>T on transcript NM_001160148.2 (MANE Select); 301 bases into the intron before coding-DNA position 2246, C replaced by T.
Molecular consequence: intron variant.
Genome position (GRCh38, 1-based): chr14:53,054,930, G>A on the plus strand (C>T on the coding strand, the complement: DDHD1 is on the minus strand). VCF-style: chr14-53054930-G-A. GRCh37 (hg19) VCF-style: chr14-53521648-G-A.
Other names: c.2246-301C>T (NM_030637.3); c.2267-301C>T (NM_001160147.2).
Identifiers: ClinVar variation 668115 (VCV000668115.1), dbSNP rs12880404, ClinGen allele CA261017021.